The following is an entry in ClinVar:

ClinVar aggregate classification (germline): Uncertain significance (1 of 4 stars; one submission).

Conditions:
Familial episodic pain syndrome with predominantly lower limb involvement. Also called: Episodic pain syndrome, familial, 3. Identifiers: Orphanet 391384, Orphanet 391392, MedGen C3809899, MONDO:0014247, OMIM 615552.
Hereditary sensory and autonomic neuropathy type 7. Also called: Neuropathy, hereditary sensory and autonomic, type VII; HSAN VII. Identifiers: Orphanet 391397, MedGen C3809882, MONDO:0014244, OMIM 615548.

Allele frequency attached by ClinVar (database versions not stated): gnomAD exomes below 0.00001; TOPMed below 0.00001; ExAC 0.00001; gnomAD 0.00001.
gnomAD v4.1: 9 of 1,613,576 alleles (0.00056%); highest among the groups gnomAD compares: Middle Eastern, 0.016%; no homozygotes.

Submission:

Labcorp Genetics (formerly Invitae), Labcorp
Classification: Uncertain significance for Familial episodic pain syndrome with predominantly lower limb involvement; Hereditary sensory and autonomic neuropathy type 7. Last evaluated: 2023-04-06. Review status: criteria provided, single submitter. Criteria: Invitae Variant Classification Sherloc (09022015). Collection method: clinical testing. Allele origin: germline.
Comment: This sequence change replaces tryptophan, which is neutral and slightly polar, with cysteine, which is neutral and slightly polar, at codon 1005 of the SCN11A protein (p.Trp1005Cys). This variant is present in population databases (rs764316869, gnomAD 0.003%). This variant has not been reported in the literature in individuals affected with SCN11A-related conditions. An algorithm developed to predict the effect of missense changes on protein structure and function (PolyPhen-2) suggests that this variant is likely to be disruptive. In summary, the available evidence is currently insufficient to determine the role of this variant in disease. Therefore, it has been classified as a Variant of Uncertain Significance.

NM_001349253.2(SCN11A):c.3015G>T (p.Trp1005Cys)

Gene: SCN11A (sodium voltage-gated channel alpha subunit 11; minus strand). Cytogenetic location: 3p22.2.
Variant type: single nucleotide variant.
Coding change: c.3015G>T on transcript NM_001349253.2 (MANE Select); coding-DNA position 3015, G replaced by T.
Protein change: p.Trp1005Cys; replaces tryptophan 1005 with cysteine.
Molecular consequence: missense variant.
Genome position (GRCh38, 1-based): chr3:38,885,337, C>A on the plus strand (G>T on the coding strand, the complement: SCN11A is on the minus strand). VCF-style: chr3-38885337-C-A. GRCh37 (hg19) VCF-style: chr3-38926828-C-A.
Other names: c.3015G>T, p.Trp1005Cys (NM_014139.3); short protein forms W1005C.
Identifiers: ClinVar variation 2927201 (VCV002927201.3), dbSNP rs764316869, ClinGen allele CA2321892.